The following is an entry in ClinVar:

ClinVar aggregate classification (germline): Uncertain significance (1 of 4 stars; one submission).

Allele frequency attached by ClinVar (database versions not stated): gnomAD exomes below 0.00001.
gnomAD v4.1: 1 of 1,598,240 alleles (0.000063%); highest among the groups gnomAD compares: South Asian, 0.0011%; no homozygotes.

Submission:

GeneDx
Classification: Uncertain significance. Last evaluated: 2023-04-12. Review status: criteria provided, single submitter. Criteria: GeneDx Variant Classification Process June 2021. Collection method: clinical testing. Allele origin: germline. Affected: yes.
Comment: Not observed at significant frequency in large population cohorts (gnomAD); Has not been previously published as pathogenic or benign to our knowledge; In silico analysis is inconclusive as to whether the variant alters gene splicing. In the absence of RNA/functional studies, the actual effect of this sequence change is unknown.

NM_017780.4(CHD7):c.4533+5G>C

Gene: CHD7 (chromodomain helicase DNA binding protein 7; plus strand). Cytogenetic location: 8q12.2.
Variant type: single nucleotide variant.
Coding change: c.4533+5G>C on transcript NM_017780.4 (MANE Select); 5 bases into the intron after coding-DNA position 4533, G replaced by C.
Molecular consequence: intron variant.
Genome position (GRCh38, 1-based): chr8:60,838,260, G>C. VCF-style: chr8-60838260-G-C. GRCh37 (hg19) VCF-style: chr8-61750819-G-C.
Other names: c.1717-23969G>C (NM_001316690.1).
Identifiers: ClinVar variation 2499294 (VCV002499294.1), dbSNP rs1197166645, ClinGen allele CA2580078482.